The following is an entry in ClinVar:

NM_006941.4(SOX10):c.684del (p.Glu229fs)

Genes: POLR2F (RNA polymerase II, I and III subunit F; plus strand), SOX10 (SRY-box transcription factor 10; minus strand). Cytogenetic location: 22q13.1.
Variant type: Deletion.
Coding change: c.684del on transcript NM_006941.4 (MANE Select); coding-DNA position 684, one base deleted (C; older notation c.684delC).
Protein change: p.Glu229fs; shifts the reading frame from glutamic acid 229.
Molecular consequence: frameshift variant. On other transcripts: intron variant (3).
Genome position (GRCh38, 1-based): chr22:37,977,880, G deleted on the plus strand (C on the coding strand, the reverse complement: SOX10 is on the minus strand); the first of 4 consecutive G bases (chr22:37,977,880-37,977,883); deleting any one gives the same sequence. VCF-style (leftmost placement, unchanged base first): chr22-37977879-CG-C. GRCh37 (hg19) VCF-style: chr22-38373886-CG-C.
Other names: c.*38+5573del (NM_001363825.1); c.294-8271del (NM_001301130.2); c.293+10713del (NM_001301131.2); short protein forms E229fs.
Identifiers: ClinVar variation 4879687 (VCV004879687.1).

ClinVar aggregate classification (germline): Pathogenic (1 of 4 stars; one submission).

Conditions:
PCWH syndrome. Also called: WAARDENBURG-SHAH SYNDROME, NEUROLOGIC VARIANT. Identifiers: Orphanet 163746, MedGen C1836727, MONDO:0012198, OMIM 609136.

Submission:

Victorian Clinical Genetics Services, Murdoch Childrens Research Institute
Classification: Pathogenic for PCWH syndrome. Last evaluated: 2026-06-22. Review status: criteria provided, single submitter. Criteria: ACMG Guidelines, 2015. Collection method: clinical testing. Allele origin: germline. Affected: yes.
Comment: This variant is classified as Pathogenic. Evidence in support of pathogenic classification: Variant is predicted to result in a truncated protein (premature termination codon is NOT located at least 54 nucleotides upstream of the final exon-exon junction) with at least 1/3 of the protein sequence affected; Variant is absent from gnomAD (v2, v3 and v4); This variant has moderate previous evidence of pathogenicity in unrelated individuals. This variant has been reported in one de novo individual with PCWH syndrome (PMID: 33557787); Other truncation variant(s) comparable to the one identified in this case have very strong previous evidence for pathogenicity (DECIPHER); Additional information: This variant is heterozygous; This gene is associated with autosomal dominant disease; No published evidence of segregation with disease has been identified for this variant; No published functional evidence has been identified for this variant; Dominant negative and loss of function are known mechanisms of disease in this gene. Dominant negative is associated with PCWH syndrome (MIM#609136) (PMID: 15004559). Loss of function is associated with the less severe Waardenburg syndrome, type 4C (MIM#613266) and Waardenburg syndrome, type 2E, with or without neurologic involvement (MIM#611584); Variants in this gene are known to have variable expressivity (OMIM).

Literature cited by the submitters: PubMed 33557787; PubMed 15004559.